The following is an entry in ClinVar:

ClinVar aggregate classification (germline): Uncertain significance (1 of 4 stars; one submission).

gnomAD v4.1: 2 of 1,614,160 alleles (0.00012%); highest among the groups gnomAD compares: Non-Finnish European, 0.000085%; no homozygotes.

Submission:

CeGaT Center for Human Genetics Tuebingen
Classification: Uncertain significance. Last evaluated: 2024-09-01. Review status: criteria provided, single submitter. Criteria: CeGaT Center For Human Genetics Tuebingen Variant Classification Criteria Version 2. Collection method: clinical testing. Allele origin: germline. Affected: yes. Observed: 1 variant allele.
Comment: MYO9A: PM2, BP4

NM_006901.4(MYO9A):c.4921A>G (p.Ile1641Val)

Gene: MYO9A (myosin IXA; minus strand). Cytogenetic location: 15q23.
Variant type: single nucleotide variant.
Coding change: c.4921A>G on transcript NM_006901.4 (MANE Select); coding-DNA position 4921, A replaced by G.
Protein change: p.Ile1641Val; replaces isoleucine 1641 with valine.
Molecular consequence: missense variant.
Genome position (GRCh38, 1-based): chr15:71,897,582, T>C on the plus strand (A>G on the coding strand, the complement: MYO9A is on the minus strand). VCF-style: chr15-71897582-T-C. GRCh37 (hg19) VCF-style: chr15-72189923-T-C.
Other names: short protein forms I1641V.
Identifiers: ClinVar variation 3388940 (VCV003388940.14).